The following is an entry in ClinVar:

NM_001256789.3(CACNA1F):c.1936G>C (p.Ala646Pro)

Gene: CACNA1F (calcium voltage-gated channel subunit alpha1 F; minus strand). Cytogenetic location: Xp11.23.
Variant type: single nucleotide variant.
Coding change: c.1936G>C on transcript NM_001256789.3 (MANE Select); coding-DNA position 1936, G replaced by C.
Protein change: p.Ala646Pro; replaces alanine 646 with proline.
Molecular consequence: missense variant.
Genome position (GRCh38, 1-based): chrX:49,223,078, C>G on the plus strand (G>C on the coding strand, the complement: CACNA1F is on the minus strand). VCF-style: chrX-49223078-C-G. GRCh37 (hg19) VCF-style: chrX-49079537-C-G.
Other names: c.1774G>C, p.Ala592Pro (NM_001256790.3); c.1969G>C, p.Ala657Pro (NM_005183.4); short protein forms A646P, A657P, A592P.
Identifiers: ClinVar variation 1957343 (VCV001957343.5), dbSNP rs986816548, ClinGen allele CA412912634.

ClinVar aggregate classification (germline): Uncertain significance (1 of 4 stars; one submission).

Submission:

Labcorp Genetics (formerly Invitae), Labcorp
Classification: Uncertain significance. Last evaluated: 2022-11-01. Review status: criteria provided, single submitter. Criteria: Invitae Variant Classification Sherloc (09022015). Collection method: clinical testing. Allele origin: germline.
Comment: In summary, the available evidence is currently insufficient to determine the role of this variant in disease. Therefore, it has been classified as a Variant of Uncertain Significance. Advanced modeling of protein sequence and biophysical properties (such as structural, functional, and spatial information, amino acid conservation, physicochemical variation, residue mobility, and thermodynamic stability) has been performed at Invitae for this missense variant, however the output from this modeling did not meet the statistical confidence thresholds required to predict the impact of this variant on CACNA1F protein function. This variant has not been reported in the literature in individuals affected with CACNA1F-related conditions. This variant is not present in population databases (gnomAD no frequency). This sequence change replaces alanine, which is neutral and non-polar, with proline, which is neutral and non-polar, at codon 657 of the CACNA1F protein (p.Ala657Pro).